The following is an entry in ClinVar:

ClinVar aggregate classification (germline): Uncertain significance (1 of 4 stars; one submission).

Allele frequency attached by ClinVar (database versions not stated): gnomAD exomes below 0.00001.
gnomAD v4.1: 1 of 1,614,030 alleles (0.000062%); highest among the groups gnomAD compares: Non-Finnish European, 0.000085%; no homozygotes.

Submission:

Women's Health and Genetics/Laboratory Corporation of America, LabCorp
Classification: Uncertain significance. Last evaluated: 2023-11-13. Review status: criteria provided, single submitter. Criteria: LabCorp Variant Classification Summary - May 2015. Collection method: clinical testing. Allele origin: germline.
Comment: Variant summary: MECOM c.408T>G (p.Cys136Trp) results in a non-conservative amino acid change located in the SET domain (IPR001214) of the encoded protein sequence. Five of five in-silico tools predict a damaging effect of the variant on protein function. The variant allele was found at a frequency of 4e-06 in 251254 control chromosomes. The available data on variant occurrences in the general population are insufficient to allow any conclusion about variant significance. To our knowledge, no occurrence of c.408T>G in individuals affected with Radioulnar Synostosis With Amegakaryocytic Thrombocytopenia 2 and no experimental evidence demonstrating its impact on protein function have been reported. No submitters have cited clinical-significance assessments for this variant to ClinVar after 2014. Based on the evidence outlined above, the variant was classified as uncertain significance.

NM_004991.4(MECOM):c.972T>G (p.Cys324Trp)

Gene: MECOM (MDS1 and EVI1 complex locus; minus strand). Cytogenetic location: 3q26.2.
Variant type: single nucleotide variant.
Coding change: c.972T>G on transcript NM_004991.4 (MANE Select); coding-DNA position 972, T replaced by G.
Protein change: p.Cys324Trp; replaces cysteine 324 with tryptophan.
Molecular consequence: missense variant.
Genome position (GRCh38, 1-based): chr3:169,122,586, A>C on the plus strand (T>G on the coding strand, the complement: MECOM is on the minus strand). VCF-style: chr3-169122586-A-C. GRCh37 (hg19) VCF-style: chr3-168840374-A-C.
Other names: c.600T>G, p.Cys200Trp (NM_001105077.4); c.408T>G, p.Cys136Trp (NM_001105078.4, NM_001163999.2, NM_001164000.2 and 9 more transcripts); c.972T>G, p.Cys324Trp (NM_001366466.2, NM_001366473.2); short protein forms C136W, C200W, C324W.
Identifiers: ClinVar variation 2682480 (VCV002682480.1), dbSNP rs1177223748, ClinGen allele CA355066866.